The following is an entry in ClinVar:

ClinVar aggregate classification (germline): Conflicting classifications of pathogenicity. Review status: criteria provided, conflicting classifications (1 of 4 stars). 3 submissions from 3 submitters: Uncertain significance (1); Likely benign (1). 1 of the submissions does not count toward it. Last evaluated 2024-11-23.

Conditions:
Congenital primary aphakia. Also called: Anterior segment dysgenesis 2, multiple subtypes; ANTERIOR SEGMENT DYSGENESIS 2. Identifiers: Orphanet 83461, MedGen C1853230, MONDO:0012456, OMIM 610256.
Anterior segment dysgenesis. Also called: Ocular anterior segment dysgenesis. Identifiers: Orphanet 88632, MedGen C1862839, MONDO:0019503, HP:0007700.
FOXE3-related disorder. Also called: FOXE3-related condition.

Submissions (3):

Blueprint Genetics
Classification: Likely benign. Last evaluated: 2024-11-23. Review status: criteria provided, single submitter. Criteria: ACMG Guidelines, 2015. Collection method: clinical testing. Allele origin: germline.

Labcorp Genetics (formerly Invitae), Labcorp
Classification: Uncertain significance for Anterior segment dysgenesis; Congenital primary aphakia. Last evaluated: 2023-02-27. Review status: criteria provided, single submitter. Criteria: Invitae Variant Classification Sherloc (09022015). Collection method: clinical testing. Allele origin: germline.
Comment: This variant, c.194_196del, results in the deletion of 1 amino acid(s) of the FOXE3 protein (p.Arg65del), but otherwise preserves the integrity of the reading frame. The frequency data for this variant in the population databases is considered unreliable, as metrics indicate poor data quality at this position in the gnomAD database. This variant has been observed in individual(s) with cataract, inherited eye disease, or craniorachischisis (PMID: 30078984, 31849593, 33816482). This variant is also known as c.179_181del, p.60_61del . Experimental studies and prediction algorithms are not available or were not evaluated, and the functional significance of this variant is currently unknown. In summary, the available evidence is currently insufficient to determine the role of this variant in disease. Therefore, it has been classified as a Variant of Uncertain Significance.

PreventionGenetics, part of Exact Sciences
Classification: Benign for FOXE3-related condition. Last evaluated: 2019-02-22. Review status: no assertion criteria provided. Collection method: clinical testing. Allele origin: germline. Not counted in ClinVar's aggregate classification.
Comment: This variant is classified as benign based on ACMG/AMP sequence variant interpretation guidelines (Richards et al. 2015 PMID: 25741868, with internal and published modifications).

Literature cited by the submitters: PubMed 30078984 (cited by Labcorp Genetics (formerly Invitae), Labcorp); PubMed 31849593 (cited by Labcorp Genetics (formerly Invitae), Labcorp); PubMed 33816482 (cited by Labcorp Genetics (formerly Invitae), Labcorp).

NM_012186.3(FOXE3):c.179GGC[5] (p.Arg65del)

Genes: FOXE3 (forkhead box E3; plus strand), LINC01389 (long independently transcribed non-coding RNA 1389; minus strand). Cytogenetic location: 1p33.
Variant type: Microsatellite.
Coding change: c.179GGC[5] on transcript NM_012186.3 (MANE Select); five copies in a row of the 3-base unit GGC starting at c.179; the reference has six copies in a row; one copy, 3 bases deleted.
Protein change: p.Arg65del; deletes arginine 65.
Molecular consequence: inframe deletion.
Genome position (GRCh38, 1-based): chr1:47,416,509-47,416,511, GGC deleted; deleting any 3 consecutive bases within chr1:47,416,494-47,416,511 gives the same sequence; the position shown is the placement nearest the transcript's 3' end. VCF-style (leftmost placement, unchanged base first): chr1-47416493-GGGC-G. GRCh37 (hg19) VCF-style: chr1-47882165-GGGC-G.
Other names: c.194_196delGGC (NM_012186.2); short protein forms R65del.
Identifiers: ClinVar variation 2945214 (VCV002945214.6), dbSNP rs775343166, ClinGen allele CA842910.